The following is an entry in ClinVar:

ClinVar aggregate classification (germline): Uncertain significance. Review status: criteria provided, multiple submitters, no conflicts (2 of 4 stars). 3 submissions from 3 submitters: Uncertain significance (2). 1 of the submissions does not count toward it. Last evaluated 2026-02-09.

Conditions:
Retinitis pigmentosa 25 (RP25). Identifiers: Orphanet 791, MedGen C1864446, MONDO:0011272, OMIM 602772.

Allele frequency attached by ClinVar (database versions not stated): ExAC 0.00001; gnomAD exomes 0.00001.

Submissions (3):

Myriad Genetics, Inc.
Classification: Uncertain significance for Retinitis pigmentosa 25. Last evaluated: 2026-02-09. Review status: criteria provided, single submitter. Criteria: Myriad Autosomal Dominant, Autosomal Recessive and X-Linked Classification Criteria (2023). Collection method: clinical testing. Allele origin: unknown.
Comment: NM_001142800.1(EYS):c.41T>C(F14S) is a missense variant classified as a variant of uncertain significance in the context of retinitis pigmentosa, EYS-related. F14S has been observed in a case with relevant disease (PMID: 38195571). Relevant functional assessments of this variant are not available in the literature. F14S has been observed in referenced population frequency databases. In summary, there is insufficient evidence to classify NM_001142800.1(EYS):c.41T>C(F14S) as pathogenic or benign. Please note: this variant was assessed in the context of healthy population screening.

Labcorp Genetics (formerly Invitae), Labcorp
Classification: Uncertain significance. Last evaluated: 2022-06-04. Review status: criteria provided, single submitter. Criteria: Invitae Variant Classification Sherloc (09022015). Collection method: clinical testing. Allele origin: germline.
Comment: This sequence change replaces phenylalanine, which is neutral and non-polar, with serine, which is neutral and polar, at codon 14 of the EYS protein (p.Phe14Ser). This variant is present in population databases (rs767517924, gnomAD 0.01%). This variant has not been reported in the literature in individuals affected with EYS-related conditions. ClinVar contains an entry for this variant (Variation ID: 933289). Algorithms developed to predict the effect of missense changes on protein structure and function are either unavailable or do not agree on the potential impact of this missense change (SIFT: "Deleterious"; PolyPhen-2: "Benign"; Align-GVGD: "Class C0"). In summary, the available evidence is currently insufficient to determine the role of this variant in disease. Therefore, it has been classified as a Variant of Uncertain Significance.

Natera, Inc.
Classification: Uncertain significance for Retinitis pigmentosa type 25. Last evaluated: 2020-08-12. Review status: no assertion criteria provided. Collection method: clinical testing. Allele origin: germline. Not counted in ClinVar's aggregate classification.

Literature cited by the submitters: PubMed 38195571 (cited by Myriad Genetics, Inc.).

NM_001142800.2(EYS):c.41T>C (p.Phe14Ser)

Gene: EYS (EGF-like photoreceptor maintenance factor; minus strand). Cytogenetic location: 6q12.
Variant type: single nucleotide variant.
Coding change: c.41T>C on transcript NM_001142800.2 (MANE Select); coding-DNA position 41, T replaced by C.
Protein change: p.Phe14Ser; replaces phenylalanine 14 with serine.
Molecular consequence: missense variant.
Genome position (GRCh38, 1-based): chr6:65,495,370, A>G on the plus strand (T>C on the coding strand, the complement: EYS is on the minus strand). VCF-style: chr6-65495370-A-G. GRCh37 (hg19) VCF-style: chr6-66205263-A-G.
Other names: c.41T>C, p.Phe14Ser (NM_001142801.2, NM_001292009.2, NM_198283.2); short protein forms F14S.
Identifiers: ClinVar variation 933289 (VCV000933289.9), dbSNP rs767517924, ClinGen allele CA3878141.